The following is an entry in ClinVar:

ClinVar aggregate classification (germline): Uncertain significance (1 of 4 stars; one submission).

Submission:

Ambry Genetics
Classification: Uncertain significance. Last evaluated: 2025-10-06. Review status: criteria provided, single submitter. Criteria: Ambry Variant Classification Scheme 2023. Collection method: clinical testing. Allele origin: germline.
Comment: The p.P558S variant (also known as c.1672C>T), located in coding exon 2 of the CDK12 gene, results from a C to T substitution at nucleotide position 1672. The proline at codon 558 is replaced by serine, an amino acid with similar properties. This amino acid position is conserved. In addition, the in silico prediction for this alteration is inconclusive. Based on the available evidence, the clinical significance of this variant remains unclear.

NM_016507.4(CDK12):c.1672C>T (p.Pro558Ser)

Gene: CDK12 (cyclin dependent kinase 12; plus strand). Cytogenetic location: 17q12.
Variant type: single nucleotide variant.
Coding change: c.1672C>T on transcript NM_016507.4 (MANE Select); coding-DNA position 1672, C replaced by T.
Protein change: p.Pro558Ser; replaces proline 558 with serine.
Molecular consequence: missense variant.
Genome position (GRCh38, 1-based): chr17:39,471,504, C>T. VCF-style: chr17-39471504-C-T. GRCh37 (hg19) VCF-style: chr17-37627757-C-T.
Other names: c.1672C>T, p.Pro558Ser (NM_015083.4); short protein forms P558S.
Identifiers: ClinVar variation 4651358 (VCV004651358.1).